The following is an entry in ClinVar:

NM_004104.5(FASN):c.1921G>A (p.Ala641Thr)

Gene: FASN (fatty acid synthase; minus strand). Cytogenetic location: 17q25.3.
Variant type: single nucleotide variant.
Coding change: c.1921G>A on transcript NM_004104.5 (MANE Select); coding-DNA position 1921, G replaced by A.
Protein change: p.Ala641Thr; replaces alanine 641 with threonine.
Molecular consequence: missense variant.
Genome position (GRCh38, 1-based): chr17:82,089,676, C>T on the plus strand (G>A on the coding strand, the complement: FASN is on the minus strand). VCF-style: chr17-82089676-C-T. GRCh37 (hg19) VCF-style: chr17-80047552-C-T.
Other names: short protein forms A641T.
Identifiers: ClinVar variation 1005498 (VCV001005498.8), dbSNP rs199640764, ClinGen allele CA295135241.
Genomic context (GRCh38, chr17:82,089,676, plus strand): 5'-AGGCCGCAGCACCCACCTGAGGTCCCGAGATGGTGACTGTGTCCTTGGAGTTGTGGCAGG[C>T]GGGCACCACGCCCGGGGGGCAGCGCTGTTTACACTCCTCCCAGGACAAGCCTATGGCAGA-3'
Protein context (NP_004095.4, residues 631-651): KQRCPPGVVP[Ala641Thr]CHNSKDTVTI

ClinVar aggregate classification (germline): Uncertain significance (1 of 4 stars; one submission).

Conditions:
Epileptic encephalopathy. Identifiers: MedGen C0543888, HP:0200134.

Allele frequency attached by ClinVar (database versions not stated): gnomAD exomes below 0.00001; TOPMed 0.00001.
gnomAD v4.1: 3 of 1,576,670 alleles (0.00019%); highest among the groups gnomAD compares: East Asian, 0.0024%; no homozygotes.

Submission:

Labcorp Genetics (formerly Invitae), Labcorp
Classification: Uncertain significance for Epileptic encephalopathy. Last evaluated: 2025-04-11. Review status: criteria provided, single submitter. Criteria: Invitae Variant Classification Sherloc (09022015). Collection method: clinical testing. Allele origin: germline.
Comment: This sequence change replaces alanine, which is neutral and non-polar, with threonine, which is neutral and polar, at codon 641 of the FASN protein (p.Ala641Thr). This variant is not present in population databases (gnomAD no frequency). This variant has not been reported in the literature in individuals affected with FASN-related conditions. ClinVar contains an entry for this variant (Variation ID: 1005498). An algorithm developed to predict the effect of missense changes on protein structure and function (PolyPhen-2) suggests that this variant is likely to be disruptive. In summary, the available evidence is currently insufficient to determine the role of this variant in disease. Therefore, it has been classified as a Variant of Uncertain Significance.